The following is an entry in ClinVar:

NM_002449.5(MSX2):c.572A>G (p.Gln191Arg)

Gene: MSX2 (msh homeobox 2; plus strand). Cytogenetic location: 5q35.2.
Variant type: single nucleotide variant.
Coding change: c.572A>G on transcript NM_002449.5 (MANE Select); coding-DNA position 572, A replaced by G.
Protein change: p.Gln191Arg; replaces glutamine 191 with arginine.
Molecular consequence: missense variant. On other transcripts: 3 prime UTR variant (1).
Genome position (GRCh38, 1-based): chr5:174,729,351, A>G. VCF-style: chr5-174729351-A-G. GRCh37 (hg19) VCF-style: chr5-174156354-A-G.
Other names: c.*196A>G (NM_001363626.2); short protein forms Q191R.
Identifiers: ClinVar variation 1050430 (VCV001050430.4), dbSNP rs1760875161, ClinGen allele CA362230169.
Genomic context (GRCh38, chr5:174,729,351, plus strand): 5'-AGCGTGCAGAGTTCTCCAGCTCTCTGAACCTCACAGAGACCCAGGTCAAAATCTGGTTCC[A>G]GAACCGAAGGGCCAAGGCGAAAAGACTGCAGGAGGCAGAACTGGAAAAGCTGAAAATGGC-3'
Protein context (NP_002440.2, residues 181-201): LTETQVKIWF[Gln191Arg]NRRAKAKRLQ

ClinVar aggregate classification (germline): Uncertain significance. Review status: criteria provided, single submitter (1 of 4 stars). 2 submissions from 2 submitters: Uncertain significance (1). 1 of the submissions does not count toward it. Last evaluated 2023-06-14.

Conditions:
Cranium bifidum occultum. Also called: CATLIN MARKS; CRANIUM BIFIDUM, HEREDITARY; Enlarged Parietal Foramina. Identifiers: MedGen C1868598, HP:0004423.

Allele frequency attached by ClinVar (database versions not stated): TOPMed 0.00001.

Submissions (2):

Labcorp Genetics (formerly Invitae), Labcorp
Classification: Uncertain significance for Cranium bifidum occultum. Last evaluated: 2023-06-14. Review status: criteria provided, single submitter. Criteria: Invitae Variant Classification Sherloc (09022015). Collection method: clinical testing. Allele origin: germline.
Comment: In summary, the available evidence is currently insufficient to determine the role of this variant in disease. Therefore, it has been classified as a Variant of Uncertain Significance. This sequence change replaces glutamine, which is neutral and polar, with arginine, which is basic and polar, at codon 191 of the MSX2 protein (p.Gln191Arg). This variant is not present in population databases (gnomAD no frequency). This variant has not been reported in the literature in individuals affected with MSX2-related conditions. ClinVar contains an entry for this variant (Variation ID: 1050430). Advanced modeling of protein sequence and biophysical properties (such as structural, functional, and spatial information, amino acid conservation, physicochemical variation, residue mobility, and thermodynamic stability) performed at Invitae indicates that this missense variant is expected to disrupt MSX2 protein function.

Department of Pathology and Laboratory Medicine, Sinai Health System
Classification: Uncertain significance. Review status: no assertion criteria provided. Collection method: clinical testing. Allele origin: unknown. Affected: yes. Study: The Canadian Open Genetics Repository (COGR). Not counted in ClinVar's aggregate classification.
Comment: The MSX2 p.Q191R variant was not identified in the literatureÂ¬â€ nor was it identified in dbSNP, ClinVar orÂ¬â€ in the following control databases: the 1000 Genomes Project, the NHLBI GO Exome Sequencing Project, or the Genome Aggregation Database (March 6, 2019, v2.1.1).Â¬â€ The p.Q191 residue is conserved in mammals and more distantly related organisms and computational analyses (MUT Assesor, SIFT, MutationTaster, Revel, FATHMM, MetaLR, DANN) suggest that the variant may impact the protein; however, this information is not predictive enough to assume pathogenicity.Â¬â€ The variant occurs outside of the splicing consensus sequence and in silico or computational prediction software programs (Splice AI exome) do not predict a difference in splicing.Â¬â€ In summary, based on the above information the clinical significance of this variant cannot be determined with certainty at this time. This variant is classified as a variant of uncertain significance.